The following is an entry in ClinVar:

ClinVar aggregate classification (germline): Likely pathogenic (1 of 4 stars; one submission).

Conditions:
Hypophosphatasia. Also called: Phosphoethanol-aminuria. Identifiers: Orphanet 436, MedGen C0020630, MeSH D007014, MONDO:0018570.

Submission:

Genomenon, Inc
Classification: Likely pathogenic for Hypophosphatasia. Last evaluated: 2025-08-29. Review status: criteria provided, single submitter. Criteria: Genomenon Sequence Variant Interpretation Standards. Collection method: curation. Allele origin: germline. Affected: yes.
Comment: ALPL Cys489Ser (c.1466G>C) is a missense variant that changes the amino acid at residue 489 from Cysteine to Serine. This variant has been observed in a proband affected with hypophosphatasia (PMID:10679946). At least one functional study has demonstrated a substantial alteration in protein function relative to the wild-type (PMID:10679946;32160374;22266140). It is absent or not present at a significant frequency in gnomAD. In silico models agree that this variant is possibly or probably damaging. In conclusion, we classify ALPL p.Cys489Ser (c.1466G>C) as a likely pathogenic variant.

Literature cited by the submitters: PubMed 10679946; PubMed 32160374; PubMed 22266140.

NM_000478.6(ALPL):c.1466G>C (p.Cys489Ser)

Gene: ALPL (alkaline phosphatase, biomineralization associated; plus strand). Cytogenetic location: 1p36.12.
Variant type: single nucleotide variant.
Coding change: c.1466G>C on transcript NM_000478.6 (MANE Select); coding-DNA position 1466, G replaced by C.
Protein change: p.Cys489Ser; replaces cysteine 489 with serine.
Molecular consequence: missense variant.
Genome position (GRCh38, 1-based): chr1:21,577,539, G>C. VCF-style: chr1-21577539-G-C. GRCh37 (hg19) VCF-style: chr1-21904032-G-C.
Other names: c.1301G>C, p.Cys434Ser (NM_001127501.4); c.1235G>C, p.Cys412Ser (NM_001177520.3); c.1466G>C, p.Cys489Ser (NM_001369803.2, NM_001369804.2, NM_001369805.2); short protein forms C412S, C434S, C489S.
Identifiers: ClinVar variation 4086906 (VCV004086906.1).